The following is an entry in ClinVar:

NM_001267550.2(TTN):c.55738C>T (p.Pro18580Ser)

Genes: TTN (titin; minus strand), TTN-AS1 (TTN antisense RNA 1; plus strand). Cytogenetic location: 2q31.2.
Variant type: single nucleotide variant.
Coding change: c.55738C>T on transcript NM_001267550.2 (MANE Select); coding-DNA position 55738, C replaced by T.
Protein change: p.Pro18580Ser; replaces proline 18580 with serine.
Molecular consequence: missense variant.
Genome position (GRCh38, 1-based): chr2:178,601,166, G>A on the plus strand (C>T on the coding strand, the complement: TTN is on the minus strand). VCF-style: chr2-178601166-G-A. GRCh37 (hg19) VCF-style: chr2-179465893-G-A.
Other names: c.50815C>T, p.Pro16939Ser (NM_001256850.1); c.28543C>T, p.Pro9515Ser (NM_003319.4); c.48034C>T, p.Pro16012Ser (NM_133378.4); c.28918C>T, p.Pro9640Ser (NM_133432.3); c.29119C>T, p.Pro9707Ser (NM_133437.4); short protein forms P9707S, P18580S, P9640S, P16012S, P16939S, P9515S.
Identifiers: ClinVar variation 681528 (VCV000681528.9), dbSNP rs528329600, ClinGen allele CA1993391.

ClinVar aggregate classification (germline): Conflicting classifications of pathogenicity. Review status: criteria provided, conflicting classifications (1 of 4 stars). 9 submissions from 5 submitters: Uncertain significance (5); Benign (2); Likely benign (1). 1 of the submissions does not count toward it. Last evaluated 2026-03-09.

Conditions:
TTN-related disorder. Also called: TTN-related disorders; TTN-related condition; TTN-related disease.
Myopathy, myofibrillar, 9, with early respiratory failure (MFM9). Also called: Hereditary myopathy with early respiratory failure; EDSTROM MYOPATHY; MYOPATHY, PROXIMAL, WITH EARLY RESPIRATORY MUSCLE INVOLVEMENT; Myopathy, distal, with early respiratory failure, autosomal dominant. Identifiers: Orphanet 178464, Orphanet 34521, MedGen C1863599, MONDO:0011362, OMIM 603689.
Early-onset myopathy with fatal cardiomyopathy (CMYO5). Also called: Salih Myopathy; CONGENITAL MYOPATHY 5 WITH CARDIOMYOPATHY. Identifiers: Orphanet 289377, MedGen C2673677, MONDO:0012714, OMIM 611705. Disease mechanism: loss of function.
Autosomal recessive limb-girdle muscular dystrophy type 2J (LGMDR10). Also called: Limb-girdle muscular dystrophy, type 2J; MUSCULAR DYSTROPHY, LIMB-GIRDLE, AUTOSOMAL RECESSIVE 10. Identifiers: Orphanet 140922, MedGen C1837342, MONDO:0012127, OMIM 608807.
Tibial muscular dystrophy (TMD). Also called: Udd Distal Myopathy – Tibial Muscular Dystrophy; Tibial muscular dystrophy, tardive; UDD MYOPATHY. Identifiers: Orphanet 609, MedGen C1838244, MONDO:0010870, OMIM 600334.
Dilated cardiomyopathy 1G (CMD1G). Identifiers: Orphanet 154, MedGen C1858763, MONDO:0011400, OMIM 604145.

Allele frequency attached by ClinVar (database versions not stated): gnomAD below 0.00001 and 0.00001; TOPMed 0.00002; ExAC 0.00007; gnomAD exomes 0.00007; 1000 Genomes Project 30x 0.00016; 1000 Genomes Project 0.00020.
gnomAD v4.1: 105 of 1,528,142 alleles (0.0069%); highest among the groups gnomAD compares: South Asian, 0.13%; 1 homozygote.

Submissions (9):

Women's Health and Genetics/Laboratory Corporation of America, LabCorp
Classification: Uncertain significance. Last evaluated: 2026-03-09. Review status: criteria provided, single submitter. Criteria: LabCorp Variant Classification Summary - May 2015. Collection method: clinical testing. Allele origin: germline.
Comment: Variant summary: TTN c.48034C>T (p.Pro16012Ser) results in a non-conservative amino acid change in the encoded protein sequence. Algorithms developed to predict the effect of missense changes on protein structure and function are either unavailable or do not agree on the potential impact of this missense change. The variant allele was found at a frequency of 7.2e-05 in 181046 control chromosomes. This frequency is not significantly higher than estimated for disease-causing variants in TTN, allowing no conclusion about variant significance. To our knowledge, no occurrence of c.48034C>T in individuals affected with TTN-related conditions and no experimental evidence demonstrating its impact on protein function have been reported. ClinVar contains an entry for this variant (Variation ID: 681528). Based on the evidence outlined above, the variant was classified as uncertain significance.

Revvity Omics, Revvity
Classification: Uncertain significance. Last evaluated: 2024-10-28. Review status: criteria provided, single submitter. Criteria: ACMG Guidelines, 2015. Collection method: clinical testing. Allele origin: germline.

GeneDx
Classification: Likely benign. Last evaluated: 2018-03-29. Review status: criteria provided, single submitter. Criteria: GeneDx Variant Classification (06012015). Collection method: clinical testing. Allele origin: germline. Affected: yes.
Comment: This variant is considered likely benign or benign based on one or more of the following criteria: it is a conservative change, it occurs at a poorly conserved position in the protein, it is predicted to be benign by multiple in silico algorithms, and/or has population frequency not consistent with disease.

Illumina Laboratory Services, Illumina
Classification: Uncertain significance for Autosomal recessive limb-girdle muscular dystrophy type 2J. Last evaluated: 2018-01-13. Review status: criteria provided, single submitter. Criteria: ICSL Variant Classification Criteria 13 December 2019. Collection method: clinical testing. Allele origin: germline.

Illumina Laboratory Services, Illumina
Classification: Benign for Myopathy, myofibrillar, 9, with early respiratory failure. Last evaluated: 2018-01-13. Review status: criteria provided, single submitter. Criteria: ICSL Variant Classification Criteria 13 December 2019. Collection method: clinical testing. Allele origin: germline.
Comment: This variant was observed in the ICSL laboratory as part of a predisposition screen in an ostensibly healthy population. It had not been previously curated by ICSL or reported in the Human Gene Mutation Database (HGMD: prior to June 1st, 2018), and was therefore a candidate for classification through an automated scoring system. Utilizing variant allele frequency, disease prevalence and penetrance estimates, and inheritance mode, an automated score was calculated to assess if this variant is too frequent to cause the disease. Based on the score and internal cut-off values, a variant classified as benign is not then subjected to further curation. The score for this variant resulted in a classification of benign for this disease.

Illumina Laboratory Services, Illumina
Classification: Uncertain significance for Early-onset myopathy with fatal cardiomyopathy. Last evaluated: 2018-01-13. Review status: criteria provided, single submitter. Criteria: ICSL Variant Classification Criteria 13 December 2019. Collection method: clinical testing. Allele origin: germline.

Illumina Laboratory Services, Illumina
Classification: Benign for Tibial muscular dystrophy. Last evaluated: 2018-01-13. Review status: criteria provided, single submitter. Criteria: ICSL Variant Classification Criteria 13 December 2019. Collection method: clinical testing. Allele origin: germline.
Comment: the same text as in the submission from Illumina Laboratory Services, Illumina above.

Illumina Laboratory Services, Illumina
Classification: Uncertain significance for Dilated cardiomyopathy 1G. Last evaluated: 2018-01-13. Review status: criteria provided, single submitter. Criteria: ICSL Variant Classification Criteria 13 December 2019. Collection method: clinical testing. Allele origin: germline.

PreventionGenetics, part of Exact Sciences
Classification: Uncertain significance for TTN-related condition. Last evaluated: 2024-01-29. Review status: no assertion criteria provided. Collection method: clinical testing. Allele origin: germline. Not counted in ClinVar's aggregate classification.
Comment: The TTN c.55738C>T variant is predicted to result in the amino acid substitution p.Pro18580Ser. To our knowledge, this variant has not been reported in the literature. This variant is reported in 0.083% of alleles in individuals of South Asian descent in gnomAD. At this time, the clinical significance of this variant is uncertain due to the absence of conclusive functional and genetic evidence.